The following is an entry in ClinVar:

ClinVar aggregate classification (germline): Pathogenic. Review status: criteria provided, multiple submitters, no conflicts (2 of 4 stars). 9 submissions from 9 submitters: Pathogenic (8). 1 of the submissions does not count toward it. Last evaluated 2026-08-28.

Conditions:
Congenital stationary night blindness 2A (CSNB2A). Also called: CSNB, INCOMPLETE, X-LINKED; NIGHT BLINDNESS, CONGENITAL STATIONARY, TYPE 2; CACNA1F-Related X-Linked Congenital Stationary Night Blindness; Night blindness, congenital stationary (incomplete), 2A, X-linked. Identifiers: Orphanet 215, MedGen C1848172, MONDO:0010241, OMIM 300071.
X-linked cone-rod dystrophy 3 (CORDX3). Identifiers: Orphanet 1872, MedGen C1845407, MONDO:0010335, OMIM 300476.
Aland island eye disease (AIED). Also called: Forsius Eriksson type ocular albinism. Identifiers: Orphanet 178333, MedGen C0268505, MONDO:0010371, OMIM 300600.
CACNA1F-related disorder. Also called: CACNA1F-related condition.
Retinal disorder. Also called: Retinal disorders; Retinopathy; Retinopathies; Retinal Diseases. Identifiers: MedGen C0035309, MONDO:0005283, HP:0000488.

Allele frequency attached by ClinVar (database versions not stated): TOPMed below 0.00001; gnomAD exomes 0.00001.
gnomAD v4.1: 3 of 1,190,525 alleles (0.00025%); highest among the groups gnomAD compares: African/African-American, 0.0018%; no homozygotes.

Submissions (9):

Genetics Laboratory, Great Ormond Street Hospital NHS Foundation Trust, North Thames Genomic Laboratory Hub
Classification: Pathogenic for Retinal disorders. Last evaluated: 2026-08-28. Review status: criteria provided, single submitter. Criteria: ACGS Best Practice Guidelines for Variant Classification in Rare Disease 2024 v1.2. Collection method: clinical testing. Allele origin: germline. Affected: yes.
Comment: PS4_moderate, PM2_moderate, PVS1_very-strong

GeneDx
Classification: Pathogenic. Last evaluated: 2026-01-27. Review status: criteria provided, single submitter. Criteria: GeneDx Variant Classification Process June 2021. Collection method: clinical testing. Allele origin: germline. Affected: yes.
Comment: Nonsense variant predicted to result in protein truncation or nonsense mediated decay in a gene for which loss of function is a known mechanism of disease; This variant is associated with the following publications: (PMID: 25525159, 30718709, Fenninger2022[preprint}, 34758253, 35836572, 11281458, 38219857)

Ophthalmic Genetics and Bioinformatics Laboratory, Shanghai Puxi and Light Genomics Technology Co., Ltd.
Classification: Pathogenic for Congenital stationary night blindness 2A. Last evaluated: 2025-11-21. Review status: criteria provided, single submitter. Criteria: ACMG Guidelines, 2015. Collection method: clinical testing. Allele origin: maternal. Affected: yes.
Comment: The variant is rated as PVS1 + PS4_Moderate + PM2_Supporting based on the following evidence: The disease is known to have a loss-of-function (LOF) pathogenic mechanism, and this variant is a nonsense mutation that is expected to result in loss or substantial reduction of normal CACNA1F function, thereby supporting the application of PVS1.This variant has been reported in individuals affected with congenital night blindness, and its frequency is significantly enriched in affected cases, meeting the criteria for PS4_Moderate.In addition, the variant is extremely rare and is absent in the East Asian population of the gnomAD database, fulfilling PM2_Supporting.

Blueprint Genetics
Classification: Pathogenic for CACNA1F-related disorders. Last evaluated: 2022-05-01. Review status: criteria provided, single submitter. Criteria: ACMG Guidelines, 2015. Collection method: clinical testing. Allele origin: germline. Affected: yes. Observed: 4 variant alleles.

Labcorp Genetics (formerly Invitae), Labcorp
Classification: Pathogenic. Last evaluated: 2020-07-01. Review status: criteria provided, single submitter. Criteria: Invitae Variant Classification Sherloc (09022015). Collection method: clinical testing. Allele origin: germline.
Comment: This sequence change creates a premature translational stop signal (p.Arg625*) in the CACNA1F gene. It is expected to result in an absent or disrupted protein product. For these reasons, this variant has been classified as Pathogenic. Loss-of-function variants in CACNA1F are known to be pathogenic (PMID: 9662399, 11281458, 17525176, 22194652, 24124559, 26992781). This variant has been observed in individual(s) with incomplete X-linked congenital stationary night blindness or Aland eye disease (PMID: 11281458, 30718709). ClinVar contains an entry for this variant (Variation ID: 265464). This variant is not present in population databases (ExAC no frequency).

Centre for Mendelian Genomics, University Medical Centre Ljubljana
Classification: Pathogenic for Congenital stationary night blindness 2A. Last evaluated: 2019-05-31. Review status: criteria provided, single submitter. Criteria: ACMG Guidelines, 2015. Collection method: clinical testing. Allele origin: unknown. Affected: yes.
Comment: This variant was classified as: Pathogenic. The following ACMG criteria were applied in classifying this variant: PVS1,PM2,PP4,PP5. This variant was detected in hemizygous state.

Genomics England Pilot Project, Genomics England
Classification: Pathogenic for X-linked cone-rod dystrophy 3. Review status: criteria provided, single submitter. Criteria: ACGS Guidelines, 2016. Collection method: clinical testing. Allele origin: germline. Affected: yes.

Ningxia Clinical Research Institute, People's Hospital of Ningxia Hui Autonomous Region
Classification: Pathogenic for Congenital stationary night blindness 2A. Review status: criteria provided, single submitter. Criteria: ACMG Guidelines, 2015. Collection method: clinical testing. Allele origin: inherited. Inheritance: Autosomal dominant inheritance with maternal imprinting. Affected: yes. Observed: 1 hemizygote.
Comment: ACMG guidelines: 1. 2. This variant introduces a premature stop codon at position 625, resulting in premature truncation of the polypeptide chain (PVS1_Very Strong). 3. Multiple bioinformatics tools predict a deleterious effect (PP3_Supporting). 4. Cross-species protein conservation analysis shows that amino acid 625 is highly conserved, indicating the variant is likely to disrupt CACNA1F protein structure and function. 5. The proband’s clinical presentation is consistent with congenital stationary night blindness, providing supporting evidence for pathogenicity (PP4_Supporting). 6. The variant was absent from gnomAD v4.0 (0/154 000 alleles), 1000 Genomes, ExAC_EAS, and an in-house cohort of 2 500 East-Asian control chromosomes. According to ACMG guidelines, the hemizygous CACNA1F variant c.1873C>T (p.Arg625fs) was classified as pathogenic.

Department of Clinical Genetics, Copenhagen University Hospital, Rigshospitalet
Classification: Likely pathogenic for Ocular albinism, type II. Last evaluated: 2018-04-01. Review status: no assertion criteria provided. Collection method: research. Allele origin: unknown. Affected: yes. Study: VeluxRD. Not counted in ClinVar's aggregate classification.

Literature cited by the submitters: PubMed 11281458 (cited by Ophthalmic Genetics and Bioinformatics Laboratory, Shanghai Puxi and Light Genomics Technology Co., Ltd. and Labcorp Genetics (formerly Invitae), Labcorp); PubMed 9662399 (cited by Labcorp Genetics (formerly Invitae), Labcorp); PubMed 17525176 (cited by Labcorp Genetics (formerly Invitae), Labcorp); PubMed 22194652 (cited by Labcorp Genetics (formerly Invitae), Labcorp); PubMed 24124559 (cited by Labcorp Genetics (formerly Invitae), Labcorp); PubMed 26992781 (cited by Labcorp Genetics (formerly Invitae), Labcorp); PubMed 30718709 (cited by Labcorp Genetics (formerly Invitae), Labcorp and Department of Clinical Genetics, Copenhagen University Hospital, Rigshospitalet).

NM_001256789.3(CACNA1F):c.1840C>T (p.Arg614Ter)

Gene: CACNA1F (calcium voltage-gated channel subunit alpha1 F; minus strand). Cytogenetic location: Xp11.23.
Variant type: single nucleotide variant.
Coding change: c.1840C>T on transcript NM_001256789.3 (MANE Select); coding-DNA position 1840, C replaced by T.
Protein change: p.Arg614Ter; replaces arginine 614 with a stop codon.
Molecular consequence: nonsense.
Genome position (GRCh38, 1-based): chrX:49,224,798, G>A on the plus strand (C>T on the coding strand, the complement: CACNA1F is on the minus strand). VCF-style: chrX-49224798-G-A. GRCh37 (hg19) VCF-style: chrX-49081260-G-A.
Other names: c.1678C>T, p.Arg560Ter (NM_001256790.3); c.1873C>T, p.Arg625Ter (NM_005183.4); short protein forms R625*, R560*, R614*.
Identifiers: ClinVar variation 265464 (VCV000265464.20), dbSNP rs886039559, ClinGen allele CA10588791.